The following is an entry in ClinVar:

ClinVar aggregate classification (germline): Pathogenic (1 of 4 stars; one submission).

Conditions:
Peroxisome biogenesis disorder 2B (PBD2B). Identifiers: Orphanet 44, MedGen C3550234, MONDO:0008736, OMIM 202370.

Submission:

Labcorp Genetics (formerly Invitae), Labcorp
Classification: Pathogenic for Peroxisome biogenesis disorder 2B. Last evaluated: 2023-07-25. Review status: criteria provided, single submitter. Criteria: Invitae Variant Classification Sherloc (09022015). Collection method: clinical testing. Allele origin: germline.
Comment: This sequence change creates a premature translational stop signal (p.Asn536Thrfs*7) in the PEX5 gene. It is expected to result in an absent or disrupted protein product. Loss-of-function variants in PEX5 are known to be pathogenic (PMID: 18712838, 21031596). This variant is not present in population databases (gnomAD no frequency). This variant has not been reported in the literature in individuals affected with PEX5-related conditions. For these reasons, this variant has been classified as Pathogenic.

Literature cited by the submitters: PubMed 18712838; PubMed 21031596.

NM_001351132.2(PEX5):c.1607del (p.Asn536fs)

Gene: PEX5 (peroxisomal biogenesis factor 5; plus strand). Cytogenetic location: 12p13.31.
Variant type: Deletion.
Coding change: c.1607del on transcript NM_001351132.2 (MANE Select); coding-DNA position 1607, one base deleted (A; older notation c.1607delA).
Protein change: p.Asn536fs; shifts the reading frame from asparagine 536.
Molecular consequence: frameshift variant.
Genome position (GRCh38, 1-based): chr12:7,209,729, A deleted; the last of 3 consecutive A bases (chr12:7,209,727-7,209,729); deleting any one gives the same sequence. VCF-style (leftmost placement, unchanged base first): chr12-7209726-GA-G. GRCh37 (hg19) VCF-style: chr12-7362322-GA-G.
Other names: c.1496del, p.Asn499fs (NM_001351126.2, NM_001351127.2, NM_001351128.2 and 7 more transcripts); c.1607del, p.Asn536fs (NM_001351131.2, NM_001351133.2, NM_001351134.2 and 4 more transcripts); c.1541del, p.Asn514fs (NM_001351135.3, NM_001351138.2); c.1598del, p.Asn533fs (NM_001351136.2); c.1583del, p.Asn528fs (NM_000319.5); c.1652del, p.Asn551fs (NM_001131023.2); c.1472del, p.Asn491fs (NM_001351139.2, NM_001351140.2, NM_001374649.2); short protein forms N528fs, N514fs, N533fs, N499fs, N551fs, N491fs, N536fs.
Identifiers: ClinVar variation 2746765 (VCV002746765.3), dbSNP rs2540322042, ClinGen allele CA2697559093.